The following is an entry in ClinVar:

NM_177438.3(DICER1):c.3341C>G (p.Ser1114Cys)

Gene: DICER1 (dicer 1, ribonuclease III; minus strand). Cytogenetic location: 14q32.13.
Variant type: single nucleotide variant.
Coding change: c.3341C>G on transcript NM_177438.3 (MANE Select); coding-DNA position 3341, C replaced by G.
Protein change: p.Ser1114Cys; replaces serine 1114 with cysteine.
Molecular consequence: missense variant.
Genome position (GRCh38, 1-based): chr14:95,104,055, G>C on the plus strand (C>G on the coding strand, the complement: DICER1 is on the minus strand). VCF-style: chr14-95104055-G-C. GRCh37 (hg19) VCF-style: chr14-95570392-G-C.
Other names: c.3341C>G, p.Ser1114Cys (NM_001195573.1, NM_001271282.3, NM_001291628.2 and 1 more transcripts); short protein forms S1114C.
Identifiers: ClinVar variation 567123 (VCV000567123.13), dbSNP rs1278843875, ClinGen allele CA390875841.

ClinVar aggregate classification (germline): Conflicting classifications of pathogenicity. Review status: criteria provided, conflicting classifications (1 of 4 stars). 2 submissions from 2 submitters: Uncertain significance (1); Likely benign (1). Last evaluated 2025-09-07.

Conditions:
DICER1-related tumor predisposition. Also called: DICER1-related pleuropulmonary blastoma cancer predisposition syndrome; DICER1 syndrome. Identifiers: Orphanet 284343, MedGen C3839822, MONDO:0100216.
Hereditary cancer-predisposing syndrome. Also called: Neoplastic Syndromes, Hereditary; Tumor predisposition; Hereditary Cancer Syndrome; Hereditary neoplastic syndrome. Identifiers: Orphanet 140162, MedGen C0027672, MeSH D009386, MONDO:0015356.

Allele frequency attached by ClinVar (database versions not stated): gnomAD exomes below 0.00001.
gnomAD v4.1: 3 of 1,614,118 alleles (0.00019%); highest among the groups gnomAD compares: Non-Finnish European, 0.00017%; no homozygotes.

Submissions (2):

Ambry Genetics
Classification: Likely benign for Hereditary cancer-predisposing syndrome. Last evaluated: 2025-09-07. Review status: criteria provided, single submitter. Criteria: Ambry Variant Classification Scheme 2023. Collection method: clinical testing. Allele origin: germline.

Labcorp Genetics (formerly Invitae), Labcorp
Classification: Uncertain significance for DICER1-related tumor predisposition. Last evaluated: 2025-08-13. Review status: criteria provided, single submitter. Criteria: Invitae Variant Classification Sherloc (09022015). Collection method: clinical testing. Allele origin: germline.
Comment: This sequence change replaces serine, which is neutral and polar, with cysteine, which is neutral and slightly polar, at codon 1114 of the DICER1 protein (p.Ser1114Cys). This variant is present in population databases (no rsID available, gnomAD 0.0009%). This variant has not been reported in the literature in individuals affected with DICER1-related conditions. ClinVar contains an entry for this variant (Variation ID: 567123). Invitae Evidence Modeling of protein sequence and biophysical properties (such as structural, functional, and spatial information, amino acid conservation, physicochemical variation, residue mobility, and thermodynamic stability) indicates that this missense variant is not expected to disrupt DICER1 protein function with a negative predictive value of 95%. In summary, the available evidence is currently insufficient to determine the role of this variant in disease. Therefore, it has been classified as a Variant of Uncertain Significance.